The following is an entry in ClinVar:

NM_199420.4(POLQ):c.3691T>A (p.Ser1231Thr)

Gene: POLQ (DNA polymerase theta; minus strand). Cytogenetic location: 3q13.33.
Variant type: single nucleotide variant.
Coding change: c.3691T>A on transcript NM_199420.4 (MANE Select); coding-DNA position 3691, T replaced by A.
Protein change: p.Ser1231Thr; replaces serine 1231 with threonine.
Molecular consequence: missense variant.
Genome position (GRCh38, 1-based): chr3:121,489,240, A>T on the plus strand (T>A on the coding strand, the complement: POLQ is on the minus strand). VCF-style: chr3-121489240-A-T. GRCh37 (hg19) VCF-style: chr3-121208087-A-T.
Other names: short protein forms S1231T.
Identifiers: ClinVar variation 2563795 (VCV002563795.2), dbSNP rs2546787075, ClinGen allele CA354097988.
Genomic context (GRCh38, chr3:121,489,240, plus strand): 5'-GACTTGGTTTATTTTCCTCTGTATTAAGCTTTATCCTTTCACAATTGATAGTAACATTTG[A>T]GTCTCTATTTATGTAACTACTGACTGCTTCACAGGGCATTTGTCTCTCTATTATATTTTT-3'
Protein context (NP_955452.3, residues 1221-1241): EAVSSYINRD[Ser1231Thr]NVTINCERIK

ClinVar aggregate classification (germline): Uncertain significance (1 of 4 stars; one submission).

Submission:

Ambry Genetics
Classification: Uncertain significance. Last evaluated: 2023-04-11. Review status: criteria provided, single submitter. Criteria: Ambry Variant Classification Scheme 2023. Collection method: clinical testing. Allele origin: germline.
Comment: The p.S1231T variant (also known as c.3691T>A), located in coding exon 16 of the POLQ gene, results from a T to A substitution at nucleotide position 3691. The serine at codon 1231 is replaced by threonine, an amino acid with similar properties. This amino acid position is conserved. In addition, this alteration is predicted to be tolerated by in silico analysis. Since supporting evidence is limited at this time, the clinical significance of this alteration remains unclear.